The following is an entry in ClinVar:

NM_138694.4(PKHD1):c.9699del (p.Ser3234fs)

Gene: PKHD1 (PKHD1 ciliary IPT domain containing fibrocystin/polyductin; minus strand). Cytogenetic location: 6p12.3.
Variant type: Deletion.
Coding change: c.9699del on transcript NM_138694.4 (MANE Select); coding-DNA position 9699, one base deleted (C; older notation c.9699delC).
Protein change: p.Ser3234fs; shifts the reading frame from serine 3234.
Molecular consequence: frameshift variant.
Genome position (GRCh38, 1-based): chr6:51,747,917, G deleted on the plus strand (C on the coding strand, the reverse complement: PKHD1 is on the minus strand); the first of 3 consecutive G bases (chr6:51,747,917-51,747,919); deleting any one gives the same sequence. VCF-style (leftmost placement, unchanged base first): chr6-51747916-AG-A. GRCh37 (hg19) VCF-style: chr6-51612714-AG-A.
Other names: c.9699del, p.Ser3234fs (NM_170724.3); short protein forms S3234fs.
Identifiers: ClinVar variation 844553 (VCV000844553.9), dbSNP rs1785437689, ClinGen allele CA916082835.

ClinVar aggregate classification (germline): Pathogenic (1 of 4 stars; one submission).

Conditions:
Autosomal recessive polycystic kidney disease (ARPKD). Also called: AR polycystic kidney disease. Identifiers: Orphanet 731, Orphanet 8378, MedGen C0085548, MeSH D017044, MONDO:0009889.

Submission:

Labcorp Genetics (formerly Invitae), Labcorp
Classification: Pathogenic for Autosomal recessive polycystic kidney disease. Last evaluated: 2019-12-31. Review status: criteria provided, single submitter. Criteria: Invitae Variant Classification Sherloc (09022015). Collection method: clinical testing. Allele origin: germline.
Comment: For these reasons, this variant has been classified as Pathogenic. Loss-of-function variants in PKHD1 are known to be pathogenic (PMID: 19940839). This variant has not been reported in the literature in individuals with PKHD1-related conditions. This variant is not present in population databases (ExAC no frequency). This sequence change creates a premature translational stop signal (p.Ser3234Profs*30) in the PKHD1 gene. It is expected to result in an absent or disrupted protein product.

Literature cited by the submitters: PubMed 19940839.